The following is an entry in ClinVar:

ClinVar aggregate classification (germline): Pathogenic (1 of 4 stars; one submission).

Conditions:
Arginase deficiency. Also called: ARGININEMIA; ARG1 DEFICIENCY; Arginase 1 Deficiency. Identifiers: Orphanet 90, MedGen C0268548, MONDO:0008814, OMIM 207800.

Submission:

Labcorp Genetics (formerly Invitae), Labcorp
Classification: Pathogenic for Arginase deficiency. Last evaluated: 2018-07-13. Review status: criteria provided, single submitter. Criteria: Invitae Variant Classification Sherloc (09022015). Collection method: clinical testing. Allele origin: germline.
Comment: This variant is not present in population databases (ExAC no frequency). This variant has not been reported in the literature in individuals with ARG1-related disease. Loss-of-function variants in ARG1 are known to be pathogenic (PMID: 7649538, 12052859). For these reasons, this variant has been classified as Pathogenic. This sequence change creates a premature translational stop signal (p.Gly142Aspfs*8) in the ARG1 gene. It is expected to result in an absent or disrupted protein product.

Literature cited by the submitters: PubMed 7649538; PubMed 12052859.

NM_000045.4(ARG1):c.425del (p.Gly142fs)

Genes: ARG1 (arginase 1; plus strand), MED23 (mediator complex subunit 23; minus strand). Cytogenetic location: 6q23.2.
Variant type: Deletion.
Coding change: c.425del on transcript NM_000045.4 (MANE Select); coding-DNA position 425, one base deleted (G; older notation c.425delG).
Protein change: p.Gly142fs; shifts the reading frame from glycine 142.
Molecular consequence: frameshift variant. On other transcripts: non-coding transcript variant (1), intron variant (3).
Genome position (GRCh38, 1-based): chr6:131,581,338, G deleted; the last of 2 consecutive G bases (chr6:131,581,337-131,581,338); deleting either gives the same sequence. VCF-style (leftmost placement, unchanged base first): chr6-131581336-TG-T. GRCh37 (hg19) VCF-style: chr6-131902476-TG-T.
Other names: c.449del, p.Gly150fs (NM_001244438.2); c.306-1722del (NM_001369020.1); c.4077+6372del (NM_001270521.2); c.4095+6372del (NM_015979.4); short protein forms G150fs, G142fs.
Identifiers: ClinVar variation 657467 (VCV000657467.8), dbSNP rs1585420294, ClinGen allele CA915943664.